The following is an entry in ClinVar:

NM_024306.5(FA2H):c.844G>C (p.Gly282Arg)

Gene: FA2H (fatty acid 2-hydroxylase; minus strand). Cytogenetic location: 16q23.1.
Variant type: single nucleotide variant.
Coding change: c.844G>C on transcript NM_024306.5 (MANE Select); coding-DNA position 844, G replaced by C.
Protein change: p.Gly282Arg; replaces glycine 282 with arginine.
Molecular consequence: missense variant.
Genome position (GRCh38, 1-based): chr16:74,716,542, C>G on the plus strand (G>C on the coding strand, the complement: FA2H is on the minus strand). VCF-style: chr16-74716542-C-G. GRCh37 (hg19) VCF-style: chr16-74750440-C-G.
Other names: short protein forms G282R.
Identifiers: ClinVar variation 1878616 (VCV001878616.1), dbSNP rs199815871, ClinGen allele CA396769227.

ClinVar aggregate classification (germline): Uncertain significance (1 of 4 stars; one submission).

Conditions:
Hereditary spastic paraplegia 35. Also called: Spastic paraplegia 35; LEUKODYSTROPHY, DYSMYELINATING, AND SPASTIC PARAPARESIS WITH OR WITHOUT DYSTONIA; Spastic paraplegia 35, autosomal recessive; SPASTIC PARAPLEGIA 35, AUTOSOMAL RECESSIVE, WITH OR WITHOUT NEURODEGENERATION. Identifiers: Orphanet 171629, MedGen C3496228, MONDO:0012866, OMIM 612319.

gnomAD v4.1: 1 of 1,608,250 alleles (0.000062%); highest among the groups gnomAD compares: East Asian, 0.0022%; no homozygotes.

Submission:

Neuberg Centre For Genomic Medicine, NCGM
Classification: Uncertain significance for Hereditary spastic paraplegia 35. Review status: criteria provided, single submitter. Criteria: ACMG Guidelines, 2015. Collection method: clinical testing. Allele origin: germline. Affected: yes.
Comment: The missense variant in c.844G>C (p.Gly282Arg) in FA2H gene has not been reported previously as a pathogenic variant nor as a benign variant, to our knowledge. The amino acid Gly at position 282 is changed to a Arg changing protein sequence and it might alter its composition and physico-chemical properties. The variant is predicted to be damaging by PolyPhen2 and the residue is conserved across species. The amino acid change p.Gly282Arg in FA2H is predicted as conserved by GERP++ and PhyloP across 100 vertebrates. The p.Gly282Arg variant is novel (not in any individuals) in gnomAD Exomes and 1000 Genomes. For these reasons, this variant has been classified as Uncertain Significance .